The following is an entry in ClinVar:

ClinVar aggregate classification (germline): Conflicting classifications of pathogenicity. Review status: criteria provided, conflicting classifications (1 of 4 stars). 2 submissions from 2 submitters: Uncertain significance (1); Likely benign (1). Last evaluated 2024-11-18.

Conditions:
Inborn genetic diseases. Identifiers: MedGen C0950123, MeSH D030342.

Allele frequency attached by ClinVar (database versions not stated): gnomAD exomes 0.00001; ExAC 0.00004; TOPMed 0.00006; gnomAD 0.00013.
gnomAD v4.1: 35 of 1,614,034 alleles (0.0022%); highest among the groups gnomAD compares: African/African-American, 0.039%; no homozygotes.

Submissions (2):

Labcorp Genetics (formerly Invitae), Labcorp
Classification: Uncertain significance. Last evaluated: 2024-11-18. Review status: criteria provided, single submitter. Criteria: Invitae Variant Classification Sherloc (09022015). Collection method: clinical testing. Allele origin: germline.
Comment: This sequence change replaces isoleucine, which is neutral and non-polar, with valine, which is neutral and non-polar, at codon 575 of the SLC12A3 protein (p.Ile575Val). This variant is present in population databases (rs772849642, gnomAD 0.04%). This variant has not been reported in the literature in individuals affected with SLC12A3-related conditions. ClinVar contains an entry for this variant (Variation ID: 2058094). Invitae Evidence Modeling of protein sequence and biophysical properties (such as structural, functional, and spatial information, amino acid conservation, physicochemical variation, residue mobility, and thermodynamic stability) indicates that this missense variant is not expected to disrupt SLC12A3 protein function with a negative predictive value of 95%. In summary, the available evidence is currently insufficient to determine the role of this variant in disease. Therefore, it has been classified as a Variant of Uncertain Significance.

Ambry Genetics
Classification: Likely benign for Inborn genetic diseases. Last evaluated: 2022-05-16. Review status: criteria provided, single submitter. Criteria: Ambry Variant Classification Scheme 2023. Collection method: clinical testing. Allele origin: germline.

NM_001126108.2(SLC12A3):c.1723A>G (p.Ile575Val)

Gene: SLC12A3 (solute carrier family 12 member 3; plus strand). Cytogenetic location: 16q13.
Variant type: single nucleotide variant.
Coding change: c.1723A>G on transcript NM_001126108.2 (MANE Select); coding-DNA position 1723, A replaced by G.
Protein change: p.Ile575Val; replaces isoleucine 575 with valine.
Molecular consequence: missense variant.
Genome position (GRCh38, 1-based): chr16:56,884,102, A>G. VCF-style: chr16-56884102-A-G. GRCh37 (hg19) VCF-style: chr16-56918014-A-G.
Other names: c.1723A>G, p.Ile575Val (NM_000339.3); c.1720A>G, p.Ile574Val (NM_001126107.2, NM_001410896.1); short protein forms I574V, I575V.
Identifiers: ClinVar variation 2058094 (VCV002058094.3), dbSNP rs772849642, ClinGen allele CA8069590.
Genomic context (GRCh38, chr16:56,884,102, plus strand): 5'-GGCCCAGGGTGGAGACCTTCATTCCAATACTACAACAAGTGGGCGGCGCTGTTTGGGGCT[A>G]TCATCTCCGTGGTCATCATGTTCCTCCTCACCTGGTGGGCGGCCCTCATCGCCATTGGCG-3'
Protein context (NP_001119580.2, residues 565-585): YNKWAALFGA[Ile575Val]ISVVIMFLLT